The following is an entry in ClinVar:

ClinVar aggregate classification (germline): Likely benign. Review status: criteria provided, multiple submitters, no conflicts (2 of 4 stars). 2 submissions from 2 submitters: Likely benign (2). Last evaluated 2025-04-02.

Conditions:
Dilated cardiomyopathy 1G (CMD1G). Identifiers: Orphanet 154, MedGen C1858763, MONDO:0011400, OMIM 604145.
Autosomal recessive limb-girdle muscular dystrophy type 2J (LGMDR10). Also called: Limb-girdle muscular dystrophy, type 2J; MUSCULAR DYSTROPHY, LIMB-GIRDLE, AUTOSOMAL RECESSIVE 10. Identifiers: Orphanet 140922, MedGen C1837342, MONDO:0012127, OMIM 608807.

Allele frequency attached by ClinVar (database versions not stated): TOPMed below 0.00001.

Submissions (2):

Labcorp Genetics (formerly Invitae), Labcorp
Classification: Likely benign for Dilated cardiomyopathy 1G; Autosomal recessive limb-girdle muscular dystrophy type 2J. Last evaluated: 2025-04-02. Review status: criteria provided, single submitter. Criteria: Invitae Variant Classification Sherloc (09022015). Collection method: clinical testing. Allele origin: germline.

Laboratory for Molecular Medicine, Mass General Brigham Personalized Medicine
Classification: Likely benign. Last evaluated: 2012-01-13. Review status: criteria provided, single submitter. Criteria: LMM Criteria. Collection method: clinical testing. Allele origin: germline. Observed: 1 variant allele.
Comment: 24154+10A>G in intron 93 of TTN: This variant is not expected to have clinical s ignificance because it is not located within the splice consensus sequence. 241 54+10A>G in intron 93 of TTN (allele frequency = n/a)

NM_001267550.2(TTN):c.27886+10A>G

Gene: TTN (titin; minus strand). Cytogenetic location: 2q31.2.
Variant type: single nucleotide variant.
Coding change: c.27886+10A>G on transcript NM_001267550.2 (MANE Select); 10 bases into the intron after coding-DNA position 27886, A replaced by G.
Molecular consequence: intron variant.
Genome position (GRCh38, 1-based): chr2:178,711,934, T>C on the plus strand (A>G on the coding strand, the complement: TTN is on the minus strand). VCF-style: chr2-178711934-T-C. GRCh37 (hg19) VCF-style: chr2-179576661-T-C.
Other names: c.13282+26148A>G (NM_003319.4); c.13858+26148A>G (NM_133437.4); c.13657+26148A>G (NM_133432.3); c.24154+10A>G (NM_133378.4); c.26935+10A>G (NM_001256850.1).
Identifiers: ClinVar variation 46802 (VCV000046802.8), dbSNP rs397517526, ClinGen allele CA139239.